The following is an entry in ClinVar:

ClinVar aggregate classification (germline): Uncertain significance (1 of 4 stars; one submission).

Conditions:
Emery-Dreifuss muscular dystrophy 5, autosomal dominant (EDMD5). Also called: EMERY-DREIFUSS MUSCULAR DYSTROPHY 5. Identifiers: Orphanet 261, MedGen C2751805, MONDO:0013072, OMIM 612999.

Allele frequency attached by ClinVar (database versions not stated): gnomAD exomes below 0.00001; ExAC 0.00001.
gnomAD v4.1: 1 of 1,614,100 alleles (0.000062%); highest among the groups gnomAD compares: South Asian, 0.0011%; no homozygotes.

Submission:

Labcorp Genetics (formerly Invitae), Labcorp
Classification: Uncertain significance for Emery-Dreifuss muscular dystrophy 5, autosomal dominant. Last evaluated: 2021-04-23. Review status: criteria provided, single submitter. Criteria: Invitae Variant Classification Sherloc (09022015). Collection method: clinical testing. Allele origin: germline.
Comment: In summary, the available evidence is currently insufficient to determine the role of this variant in disease. Therefore, it has been classified as a Variant of Uncertain Significance. Algorithms developed to predict the effect of missense changes on protein structure and function are either unavailable or do not agree on the potential impact of this missense change (SIFT: "Tolerated"; PolyPhen-2: "Possibly Damaging"; Align-GVGD: "Class C0"). This variant has not been reported in the literature in individuals with SYNE2-related conditions. This variant is present in population databases (rs758536054, ExAC 0.006%). This sequence change replaces valine with alanine at codon 1910 of the SYNE2 protein (p.Val1910Ala). The valine residue is weakly conserved and there is a small physicochemical difference between valine and alanine.

NM_182914.3(SYNE2):c.5729T>C (p.Val1910Ala)

Gene: SYNE2 (spectrin repeat containing nuclear envelope protein 2; plus strand). Cytogenetic location: 14q23.2.
Variant type: single nucleotide variant.
Coding change: c.5729T>C on transcript NM_182914.3 (MANE Select); coding-DNA position 5729, T replaced by C.
Protein change: p.Val1910Ala; replaces valine 1910 with alanine.
Molecular consequence: missense variant.
Genome position (GRCh38, 1-based): chr14:64,024,348, T>C. VCF-style: chr14-64024348-T-C. GRCh37 (hg19) VCF-style: chr14-64491066-T-C.
Other names: c.5729T>C, p.Val1910Ala (NM_015180.6); short protein forms V1910A.
Identifiers: ClinVar variation 1404927 (VCV001404927.8), dbSNP rs758536054, ClinGen allele CA7220542.